The following is an entry in ClinVar:

ClinVar aggregate classification (germline): Pathogenic. Review status: criteria provided, multiple submitters, no conflicts (2 of 4 stars). 4 submissions from 4 submitters: Pathogenic (4). Last evaluated 2025-07-02.

Conditions:
Neonatal-onset encephalopathy with rigidity and seizures. Also called: Lethal neonatal spasticity-epileptic encephalopathy syndrome. Identifiers: Orphanet 435845, MedGen C3281029, MONDO:0013784, OMIM 614498.

Submissions (4):

3billion
Classification: Pathogenic for Neonatal-onset encephalopathy with rigidity and seizures. Last evaluated: 2025-07-02. Review status: criteria provided, single submitter. Criteria: ACMG Guidelines, 2015. Collection method: clinical testing. Allele origin: germline. Affected: yes.
Comment: The variant is observed at an extremely low frequency in the gnomAD v4.1.0 dataset (total allele frequency: <0.001%). Predicted Consequence/Location: Stop-gained (nonsense): predicted to result in a loss or disruption of normal protein function through nonsense-mediated decay (NMD) or protein truncation. Multiple pathogenic variants are reported downstream of the variant. The variant has been reported at least twice as pathogenic with clinical assertions and evidence for the classification (ClinVar ID: VCV000426933 /PMID: 31589614). Therefore, this variant is classified as Pathogenic according to the recommendation of ACMG/AMP guideline.

Labcorp Genetics (formerly Invitae), Labcorp
Classification: Pathogenic for Neonatal-onset encephalopathy with rigidity and seizures. Last evaluated: 2024-07-08. Review status: criteria provided, single submitter. Criteria: Invitae Variant Classification Sherloc (09022015). Collection method: clinical testing. Allele origin: germline.
Comment: This sequence change creates a premature translational stop signal (p.Cys401*) in the BRAT1 gene. It is expected to result in an absent or disrupted protein product. Loss-of-function variants in BRAT1 are known to be pathogenic (PMID: 22279524, 25500575). This variant is present in population databases (rs773772842, gnomAD 0.003%). This variant has not been reported in the literature in individuals affected with BRAT1-related conditions. ClinVar contains an entry for this variant (Variation ID: 426933). For these reasons, this variant has been classified as Pathogenic.

GeneDx
Classification: Pathogenic. Last evaluated: 2019-09-19. Review status: criteria provided, single submitter. Criteria: GeneDx Variant Classification Process June 2021. Collection method: clinical testing. Allele origin: germline. Affected: yes.
Comment: Has not been previously published as pathogenic or benign to our knowledge; Nonsense variant predicted to result in protein truncation or nonsense mediated decay in a gene for which loss-of-function is a known mechanism of disease; Not observed at a significant frequency in large population cohorts (Lek et al., 2016); This variant is associated with the following publications: (PMID: 31589614)

Revvity Omics, Revvity
Classification: Pathogenic. Last evaluated: 2019-07-15. Review status: criteria provided, single submitter. Criteria: ACMG Guidelines, 2015. Collection method: clinical testing. Allele origin: germline.

Literature cited by the submitters: PubMed 31589614 (cited by 3billion); PubMed 22279524 (cited by Labcorp Genetics (formerly Invitae), Labcorp); PubMed 25500575 (cited by Labcorp Genetics (formerly Invitae), Labcorp).

NM_152743.4(BRAT1):c.1203_1204del (p.Cys401_Asp402delinsTer)

Gene: BRAT1 (BRCA1 associated ATM activator 1; minus strand). Cytogenetic location: 7p22.3.
Variant type: Microsatellite.
Coding change: c.1203_1204del on transcript NM_152743.4 (MANE Select); coding-DNA positions 1203 to 1204, 2 bases deleted (TG; older notation c.1203_1204delTG).
Protein change: p.Cys401_Asp402delinsTer.
Molecular consequence: nonsense. On other transcripts: non-coding transcript variant (1).
Genome position (GRCh38, 1-based): chr7:2,541,415-2,541,416, CA deleted on the plus strand (TG on the coding strand, the reverse complement: BRAT1 is on the minus strand); deleting any 2 consecutive bases within chr7:2,541,415-2,541,418 gives the same sequence; the c. name uses the placement nearest the transcript's 3' end. VCF-style (leftmost placement, unchanged base first): chr7-2541414-TCA-T. GRCh37 (hg19) VCF-style: chr7-2581048-TCA-T.
Other names: c.1203_1204del, p.Cys401_Asp402delinsTer (NM_001350626.2); c.678_679del, p.Cys226_Asp227delinsTer (NM_001350627.2); c.1203_1204delTG (NM_152743.3).
Identifiers: ClinVar variation 426933 (VCV000426933.13), dbSNP rs773772842, ClinGen allele CA4127884.